The following is an entry in ClinVar:

ClinVar aggregate classification (germline): Uncertain significance. Review status: criteria provided, multiple submitters, no conflicts (2 of 4 stars). 2 submissions from 2 submitters: Uncertain significance (2). Last evaluated 2025-12-15.

Conditions:
Progressive sclerosing poliodystrophy (MTDPS4A). Also called: Alpers-Huttenlocher Syndrome (AHS); ALPERS PROGRESSIVE INFANTILE POLIODYSTROPHY; Alpers-Huttenlocher Syndrome; NEURONAL DEGENERATION OF CHILDHOOD WITH LIVER DISEASE, PROGRESSIVE; Mitochondrial DNA Depletion Syndrome 4A; Mitochondrial DNA depletion syndrome 4A (Alpers type). Identifiers: Orphanet 726, MedGen C0205710, MONDO:0008758, OMIM 203700.

Allele frequency attached by ClinVar (database versions not stated): TOPMed below 0.00001; ExAC 0.00001; gnomAD 0.00001.

Submissions (2):

Labcorp Genetics (formerly Invitae), Labcorp
Classification: Uncertain significance for Progressive sclerosing poliodystrophy. Last evaluated: 2025-12-15. Review status: criteria provided, single submitter. Criteria: Invitae Variant Classification Sherloc (09022015). Collection method: clinical testing. Allele origin: germline.
Comment: This sequence change replaces isoleucine, which is neutral and non-polar, with valine, which is neutral and non-polar, at codon 1125 of the POLG protein (p.Ile1125Val). This variant is present in population databases (rs748518466, gnomAD 0.0009%). This variant has not been reported in the literature in individuals affected with POLG-related conditions. ClinVar contains an entry for this variant (Variation ID: 2081920). Invitae Evidence Modeling of protein sequence and biophysical properties (such as structural, functional, and spatial information, amino acid conservation, physicochemical variation, residue mobility, and thermodynamic stability) has been performed for this missense variant. However, the output from this modeling did not meet the statistical confidence thresholds required to predict the impact of this variant on POLG protein function. In summary, the available evidence is currently insufficient to determine the role of this variant in disease. Therefore, it has been classified as a Variant of Uncertain Significance.

Blueprint Genetics
Classification: Uncertain significance. Last evaluated: 2021-01-22. Review status: criteria provided, single submitter. Criteria: ACMG Guidelines, 2015. Collection method: clinical testing. Allele origin: germline.

NM_002693.3(POLG):c.3373A>G (p.Ile1125Val)

Gene: POLG (DNA polymerase gamma, catalytic subunit; minus strand). Cytogenetic location: 15q26.1.
Variant type: single nucleotide variant.
Coding change: c.3373A>G on transcript NM_002693.3 (MANE Select); coding-DNA position 3373, A replaced by G.
Protein change: p.Ile1125Val; replaces isoleucine 1125 with valine.
Molecular consequence: missense variant.
Genome position (GRCh38, 1-based): chr15:89,318,650, T>C on the plus strand (A>G on the coding strand, the complement: POLG is on the minus strand). VCF-style: chr15-89318650-T-C. GRCh37 (hg19) VCF-style: chr15-89861881-T-C.
Other names: c.3373A>G, p.Ile1125Val (NM_001126131.2); short protein forms I1125V.
Identifiers: ClinVar variation 2081920 (VCV002081920.5), dbSNP rs748518466, ClinGen allele CA7724152.
Genomic context (GRCh38, chr15:89,318,650, plus strand): 5'-CCTCCTCCCGCACCAGGTAGCGAACCTCGTCATGGATGCTGATGCAGAAGCGCCCATCTA[T>C]GGCAAACTCTTCAAACAGCCACTTCATGGCCACAAGCATGAGGTGTAAGTAGTCAACAGC-3'
Protein context (NP_002684.1, residues 1115-1135): AMKWLFEEFA[Ile1125Val]DGRFCISIHD